The following is an entry in ClinVar:

ClinVar aggregate classification (germline): Uncertain significance (1 of 4 stars; one submission).

Conditions:
Congenital disorder of glycosylation type Ir (CDG1R). Also called: DDOST-congenital disorder of glycosylation. Identifiers: Orphanet 300536, MedGen C3281084, MONDO:0013789, OMIM 614507.

Allele frequency attached by ClinVar (database versions not stated): gnomAD 0.00001; TOPMed 0.00002; gnomAD exomes 0.00003.

Submission:

Labcorp Genetics (formerly Invitae), Labcorp
Classification: Uncertain significance for Congenital disorder of glycosylation type Ir. Last evaluated: 2025-09-02. Review status: criteria provided, single submitter. Criteria: Invitae Variant Classification Sherloc (09022015). Collection method: clinical testing. Allele origin: germline.
Comment: This sequence change replaces lysine, which is basic and polar, with methionine, which is neutral and non-polar, at codon 228 of the DDOST protein (p.Lys228Met). The frequency data for this variant in the population databases is considered unreliable, as metrics indicate poor data quality at this position in the gnomAD database. This variant has not been reported in the literature in individuals affected with DDOST-related conditions. ClinVar contains an entry for this variant (Variation ID: 2083172). Invitae Evidence Modeling of protein sequence and biophysical properties (such as structural, functional, and spatial information, amino acid conservation, physicochemical variation, residue mobility, and thermodynamic stability) indicates that this missense variant is not expected to disrupt DDOST protein function with a negative predictive value of 80%. In summary, the available evidence is currently insufficient to determine the role of this variant in disease. Therefore, it has been classified as a Variant of Uncertain Significance.

NM_005216.5(DDOST):c.632A>T (p.Lys211Met)

Gene: DDOST (dolichyl-diphosphooligosaccharide--protein glycosyltransferase non-catalytic subunit; minus strand). Cytogenetic location: 1p36.12.
Variant type: single nucleotide variant.
Coding change: c.632A>T on transcript NM_005216.5 (MANE Select); coding-DNA position 632, A replaced by T.
Protein change: p.Lys211Met; replaces lysine 211 with methionine.
Molecular consequence: missense variant.
Genome position (GRCh38, 1-based): chr1:20,654,627, T>A on the plus strand (A>T on the coding strand, the complement: DDOST is on the minus strand). VCF-style: chr1-20654627-T-A. GRCh37 (hg19) VCF-style: chr1-20981120-T-A.
Other names: short protein forms K211M.
Identifiers: ClinVar variation 2083172 (VCV002083172.4), dbSNP rs961791807, ClinGen allele CA18970176.
Genomic context (GRCh38, chr1:20,654,627, plus strand): 5'-TTCTGCTTCATTTTTATTTCGAAGCCTCAAGGTTGTGAAGCCCTTACCTGGGTGATAGGC[T>A]TGTCCGGGAAGAAGGAGTAAGAGGTGGAAGAGCCCGTCAGGATGTCCAGCACCAAAGGGT-3'
Protein context (NP_005207.3, residues 201-221): SSTSYSFFPD[Lys211Met]PITQYPHAVG